The following is an entry in ClinVar:

NM_174936.4(PCSK9):c.1916C>T (p.Pro639Leu)

Gene: PCSK9 (proprotein convertase subtilisin/kexin type 9; plus strand). Cytogenetic location: 1p32.3.
Variant type: single nucleotide variant.
Coding change: c.1916C>T on transcript NM_174936.4 (MANE Select); coding-DNA position 1916, C replaced by T.
Protein change: p.Pro639Leu; replaces proline 639 with leucine.
Molecular consequence: missense variant. On other transcripts: non-coding transcript variant (8).
Genome position (GRCh38, 1-based): chr1:55,063,421, C>T. VCF-style: chr1-55063421-C-T. GRCh37 (hg19) VCF-style: chr1-55529094-C-T.
Other names: c.2039C>T, p.Pro680Leu (NM_001407240.1); c.1958C>T, p.Pro653Leu (NM_001407241.1); c.1919C>T, p.Pro640Leu (NM_001407242.1); c.1859C>T, p.Pro620Leu (NM_001407243.1); c.1742C>T, p.Pro581Leu (NM_001407244.1); c.1724C>T, p.Pro575Leu (NM_001407245.1); c.1541C>T, p.Pro514Leu (NM_001407246.1); c.1415C>T, p.Pro472Leu (NM_001407247.1); short protein forms P620L, P640L, P472L, P514L, P575L, P581L, P639L, P653L.
Identifiers: ClinVar variation 4614718 (VCV004614718.1).

ClinVar aggregate classification (germline): Uncertain significance (1 of 4 stars; one submission).

Conditions:
Cardiovascular phenotype. Identifiers: MedGen CN230736.

gnomAD v4.1: 13 of 1,613,830 alleles (0.00081%); highest among the groups gnomAD compares: Admixed American, 0.0017%; no homozygotes.

Submission:

Ambry Genetics
Classification: Uncertain significance for Cardiovascular phenotype. Last evaluated: 2025-12-01. Review status: criteria provided, single submitter. Criteria: Ambry Variant Classification Scheme 2023. Collection method: clinical testing. Allele origin: germline.
Comment: The p.P639L variant (also known as c.1916C>T), located in coding exon 12 of the PCSK9 gene, results from a C to T substitution at nucleotide position 1916. The proline at codon 639 is replaced by leucine, an amino acid with similar properties. This amino acid position is conserved. In addition, this alteration is predicted to be tolerated by in silico analysis. Based on the available evidence, the clinical significance of this variant remains unclear.